The following is an entry in ClinVar:

NM_001164665.2(KIAA1549):c.1460C>T (p.Ser487Phe)

Gene: KIAA1549 (KIAA1549; minus strand). Cytogenetic location: 7q34.
Variant type: single nucleotide variant.
Coding change: c.1460C>T on transcript NM_001164665.2 (MANE Select); coding-DNA position 1460, C replaced by T.
Protein change: p.Ser487Phe; replaces serine 487 with phenylalanine.
Molecular consequence: missense variant.
Genome position (GRCh38, 1-based): chr7:138,918,166, G>A on the plus strand (C>T on the coding strand, the complement: KIAA1549 is on the minus strand). VCF-style: chr7-138918166-G-A. GRCh37 (hg19) VCF-style: chr7-138602912-G-A.
Other names: c.1460C>T, p.Ser487Phe (NM_020910.3); short protein forms S487F.
Identifiers: ClinVar variation 1936692 (VCV001936692.5), dbSNP rs2485558987, ClinGen allele CA369398569.
Genomic context (GRCh38, chr7:138,918,166, plus strand): 5'-ATGCCAACACTCGTCTCTGAGATTTCCATGGATCTAGAAGAAAGTGGGACGATAGGTCTG[G>A]AGGGGAAAAGCGTATTAAATACTTGAGGATCTTCCTCAAATTCAGAGAAGTCTGCTACGA-3'
Protein context (NP_001158137.1, residues 477-497): DPQVFNTLFP[Ser487Phe]RPIVPLSSRS

ClinVar aggregate classification (germline): Uncertain significance (1 of 4 stars; one submission).

Submission:

Labcorp Genetics (formerly Invitae), Labcorp
Classification: Uncertain significance. Last evaluated: 2022-07-22. Review status: criteria provided, single submitter. Criteria: Invitae Variant Classification Sherloc (09022015). Collection method: clinical testing. Allele origin: germline.
Comment: This sequence change replaces serine, which is neutral and polar, with phenylalanine, which is neutral and non-polar, at codon 487 of the KIAA1549 protein (p.Ser487Phe). This variant is not present in population databases (gnomAD no frequency). In summary, the available evidence is currently insufficient to determine the role of this variant in disease. Therefore, it has been classified as a Variant of Uncertain Significance. Algorithms developed to predict the effect of missense changes on protein structure and function are either unavailable or do not agree on the potential impact of this missense change (SIFT: "Deleterious"; PolyPhen-2: "Possibly Damaging"; Align-GVGD: "Class C0"). This variant has not been reported in the literature in individuals affected with KIAA1549-related conditions.